The following is an entry in ClinVar:

ClinVar aggregate classification (germline): Benign. Review status: criteria provided, multiple submitters, no conflicts (2 of 4 stars). 3 submissions from 3 submitters: Benign (3). Last evaluated 2026-02-01.

Allele frequency attached by ClinVar (database versions not stated): TOPMed 0.00361; ESP Exome Variant Server 0.00369; 1000 Genomes Project 30x 0.00453; 1000 Genomes Project 0.00459; gnomAD 0.00541 and 0.00567; gnomAD exomes 0.00603 and 0.00647; ExAC 0.00626.
gnomAD v4.1: 9,600 of 1,614,048 alleles (0.59%); highest among the groups gnomAD compares: East Asian, 1.1%; 51 homozygotes.

Submissions (3):

CeGaT Center for Human Genetics Tuebingen
Classification: Benign. Last evaluated: 2026-02-01. Review status: criteria provided, single submitter. Criteria: CeGaT Center For Human Genetics Tuebingen Variant Classification Criteria Version 2. Collection method: clinical testing. Allele origin: germline. Affected: yes. Observed: 17 variant alleles.
Comment: NFASC: BP4, BP7, BS1, BS2

Labcorp Genetics (formerly Invitae), Labcorp
Classification: Benign. Last evaluated: 2018-08-22. Review status: criteria provided, single submitter. Criteria: Invitae Variant Classification Sherloc (09022015). Collection method: clinical testing. Allele origin: germline.

Breakthrough Genomics
Classification: Benign. Review status: criteria provided, single submitter. Criteria: ACMG Guidelines, 2015. Collection method: not provided. Allele origin: germline. Inheritance: Autosomal recessive inheritance. Affected: yes.

NM_001005388.3(NFASC):c.1614G>A (p.Thr538=)

Gene: NFASC (neurofascin; plus strand). Cytogenetic location: 1q32.1.
Variant type: single nucleotide variant.
Coding change: c.1614G>A on transcript NM_001005388.3 (MANE Select); coding-DNA position 1614, G replaced by A.
Protein change: p.Thr538=; no amino-acid change (threonine 538 retained).
Molecular consequence: synonymous variant. On other transcripts: non-coding transcript variant (1).
Genome position (GRCh38, 1-based): chr1:204,975,326, G>A. VCF-style: chr1-204975326-G-A. GRCh37 (hg19) VCF-style: chr1-204944454-G-A.
Other names: c.1614G>A, p.Thr538= (NM_001005389.2, NM_001378329.1); c.1647G>A, p.Thr549= (NM_001160331.2, NM_001160332.2, NM_001365986.1 and 3 more transcripts); c.1596G>A, p.Thr532= (NM_001160333.2).
Identifiers: ClinVar variation 723069 (VCV000723069.33), dbSNP rs55969362, ClinGen allele CA1350000.